The following is an entry in ClinVar:

NM_001385079.1(PDE10A):c.2622C>T (p.His874=)

Gene: PDE10A (phosphodiesterase 10A; minus strand). Cytogenetic location: 6q27.
Variant type: single nucleotide variant.
Coding change: c.2622C>T on transcript NM_001385079.1 (MANE Select); coding-DNA position 2622, C replaced by T.
Protein change: p.His874=; no amino-acid change (histidine 874 retained).
Molecular consequence: synonymous variant.
Genome position (GRCh38, 1-based): chr6:165,379,355, G>A on the plus strand (C>T on the coding strand, the complement: PDE10A is on the minus strand). VCF-style: chr6-165379355-G-A. GRCh37 (hg19) VCF-style: chr6-165792844-G-A.
Other names: p.His608=; c.1824C>T, p.His608= (NM_001130690.3); c.1794C>T, p.His598= (NM_006661.4).
Identifiers: ClinVar variation 4683236 (VCV004683236.1).

ClinVar aggregate classification (germline): Likely benign (1 of 4 stars; one submission).

gnomAD v4.1: 106 of 1,610,380 alleles (0.0066%); highest among the groups gnomAD compares: South Asian, 0.11%; 1 homozygote.

Submission:

Mayo Clinic Laboratories, Mayo Clinic
Classification: Likely benign. Last evaluated: 2025-10-14. Review status: criteria provided, single submitter. Criteria: ACMG Guidelines, 2015. Collection method: clinical testing. Allele origin: germline. Observed: 1 variant allele.
Comment: BS1, BP4